The following is an entry in ClinVar:

ClinVar aggregate classification (germline): Uncertain significance (1 of 4 stars; one submission).

Conditions:
Sulfite oxidase deficiency due to molybdenum cofactor deficiency type C. Also called: Molybdenum cofactor deficiency, complementation group C; Molybdenum cofactor deficiency C. Identifiers: Orphanet 308400, Orphanet 833, MedGen C1854990, MONDO:0014212, OMIM 615501.

Submission:

Labcorp Genetics (formerly Invitae), Labcorp
Classification: Uncertain significance for Sulfite oxidase deficiency due to molybdenum cofactor deficiency type C. Last evaluated: 2023-03-02. Review status: criteria provided, single submitter. Criteria: Invitae Variant Classification Sherloc (09022015). Collection method: clinical testing. Allele origin: germline.
Comment: This sequence change replaces lysine, which is basic and polar, with glutamic acid, which is acidic and polar, at codon 138 of the GPHN protein (p.Lys138Glu). This variant is not present in population databases (gnomAD no frequency). This variant has not been reported in the literature in individuals affected with GPHN-related conditions. Advanced modeling of protein sequence and biophysical properties (such as structural, functional, and spatial information, amino acid conservation, physicochemical variation, residue mobility, and thermodynamic stability) performed at Invitae indicates that this missense variant is not expected to disrupt GPHN protein function. In summary, the available evidence is currently insufficient to determine the role of this variant in disease. Therefore, it has been classified as a Variant of Uncertain Significance.

NM_020806.5(GPHN):c.412A>G (p.Lys138Glu)

Gene: GPHN (gephyrin; plus strand). Cytogenetic location: 14q23.3.
Variant type: single nucleotide variant.
Coding change: c.412A>G on transcript NM_020806.5 (MANE Select); coding-DNA position 412, A replaced by G.
Protein change: p.Lys138Glu; replaces lysine 138 with glutamic acid.
Molecular consequence: missense variant.
Genome position (GRCh38, 1-based): chr14:66,916,025, A>G. VCF-style: chr14-66916025-A-G. GRCh37 (hg19) VCF-style: chr14-67382742-A-G.
Other names: c.412A>G, p.Lys138Glu (NM_001024218.2, NM_001377515.1, NM_001377516.1 and 2 more transcripts); c.451A>G, p.Lys151Glu (NM_001377514.1, NM_001377519.1); short protein forms K151E, K138E.
Identifiers: ClinVar variation 2841987 (VCV002841987.3), dbSNP rs2549597707, ClinGen allele CA390255871.
Genomic context (GRCh38, chr14:66,916,025, plus strand): 5'-AGCAATTTAGTGTTCATCTACTTTCTCTTTTCTTTCAGGCCTGTATGTGGAATCAGAGGG[A>G]AAACGCTCATAATTAACCTGCCAGGTAGCAAGAAAGGATCTCAGGTAAATCACCTGGACA-3'
Protein context (NP_065857.1, residues 128-148): LSRPVCGIRG[Lys138Glu]TLIINLPGSK